The following is an entry in ClinVar:

ClinVar aggregate classification (germline): Benign. Review status: criteria provided, multiple submitters, no conflicts (2 of 4 stars). 3 submissions from 2 submitters: Benign (3). Last evaluated 2018-01-13.

Conditions:
Charcot-Marie-Tooth disease type 2. Also called: Charcot-Marie-Tooth type 2. Identifiers: Orphanet 64746, MedGen C0270914, MONDO:0018993.
Hereditary motor and sensory neuropathy with optic atrophy. Also called: PERIPHERAL NEUROPATHY AND OPTIC ATROPHY; CHARCOT-MARIE-TOOTH DISEASE, TYPE 6. Identifiers: Orphanet 90120, MedGen C0393807, MONDO:0019551.

Allele frequency attached by ClinVar (database versions not stated): 1000 Genomes Project 30x 0.02186; gnomAD 0.05161 and 0.05000; 1000 Genomes Project 0.02157; TOPMed 0.04164.
gnomAD v4.1: 17,873 of 325,928 alleles (5.5%); highest among the groups gnomAD compares: Non-Finnish European, 7.7%; 701 homozygotes.

Submissions (3):

Illumina Laboratory Services, Illumina
Classification: Benign for Charcot-Marie-Tooth disease, type 2. Last evaluated: 2018-01-13. Review status: criteria provided, single submitter. Criteria: ICSL Variant Classification Criteria 13 December 2019. Collection method: clinical testing. Allele origin: germline.
Comment: This variant was observed in the ICSL laboratory as part of a predisposition screen in an ostensibly healthy population. It had not been previously curated by ICSL or reported in the Human Gene Mutation Database (HGMD: prior to June 1st, 2018), and was therefore a candidate for classification through an automated scoring system. Utilizing variant allele frequency, disease prevalence and penetrance estimates, and inheritance mode, an automated score was calculated to assess if this variant is too frequent to cause the disease. Based on the score and internal cut-off values, a variant classified as benign is not then subjected to further curation. The score for this variant resulted in a classification of benign for this disease.

Illumina Laboratory Services, Illumina
Classification: Benign for Neuropathy, hereditary motor and sensory, type 6A. Last evaluated: 2018-01-13. Review status: criteria provided, single submitter. Criteria: ICSL Variant Classification Criteria 13 December 2019. Collection method: clinical testing. Allele origin: germline.
Comment: the same text as in the submission from Illumina Laboratory Services, Illumina above.

Breakthrough Genomics
Classification: Benign. Review status: criteria provided, single submitter. Criteria: ACMG Guidelines, 2015. Collection method: not provided. Allele origin: germline. Inheritance: Autosomal recessive inheritance. Affected: yes.

NM_014874.4(MFN2):c.*1488C>T

Gene: MFN2 (mitofusin 2; plus strand). Cytogenetic location: 1p36.22.
Variant type: single nucleotide variant.
Coding change: c.*1488C>T on transcript NM_014874.4 (MANE Select); 1488 bases downstream of the stop codon, C replaced by T.
Molecular consequence: 3 prime UTR variant.
Genome position (GRCh38, 1-based): chr1:12,013,053, C>T. VCF-style: chr1-12013053-C-T. GRCh37 (hg19) VCF-style: chr1-12073110-C-T.
Other names: c.*1488C>T (NM_001127660.2).
Identifiers: ClinVar variation 292405 (VCV000292405.6), dbSNP rs11554507, ClinGen allele CA10607740.